The following is an entry in ClinVar:

ClinVar aggregate classification (germline): Uncertain significance (1 of 4 stars; one submission).

Conditions:
Duchenne muscular dystrophy (DMD). Also called: MUSCULAR DYSTROPHY, PSEUDOHYPERTROPHIC PROGRESSIVE, DUCHENNE TYPE; Duchenne Muscular Dystrophy (DMD). Identifiers: Orphanet 98896, MedGen C0013264, MONDO:0010679, OMIM 310200.

Submission:

Labcorp Genetics (formerly Invitae), Labcorp
Classification: Uncertain significance for Duchenne muscular dystrophy. Last evaluated: 2022-06-03. Review status: criteria provided, single submitter. Criteria: Invitae Variant Classification Sherloc (09022015). Collection method: clinical testing. Allele origin: germline.
Comment: In summary, the available evidence is currently insufficient to determine the role of this variant in disease. Therefore, it has been classified as a Variant of Uncertain Significance. Algorithms developed to predict the effect of missense changes on protein structure and function are either unavailable or do not agree on the potential impact of this missense change (SIFT: "Deleterious"; PolyPhen-2: "Possibly Damaging"; Align-GVGD: "Class C15"). ClinVar contains an entry for this variant (Variation ID: 961440). This variant has not been reported in the literature in individuals affected with DMD-related conditions. This variant is not present in population databases (gnomAD no frequency). This sequence change replaces lysine, which is basic and polar, with glutamic acid, which is acidic and polar, at codon 2785 of the DMD protein (p.Lys2785Glu).

NM_004006.3(DMD):c.8353A>G (p.Lys2785Glu)

Gene: DMD (dystrophin; minus strand). Cytogenetic location: Xp21.1.
Variant type: single nucleotide variant.
Coding change: c.8353A>G on transcript NM_004006.3 (MANE Select); coding-DNA position 8353, A replaced by G.
Protein change: p.Lys2785Glu; replaces lysine 2785 with glutamic acid.
Molecular consequence: missense variant.
Genome position (GRCh38, 1-based): chrX:31,507,318, T>C on the plus strand (A>G on the coding strand, the complement: DMD is on the minus strand). VCF-style: chrX-31507318-T-C. GRCh37 (hg19) VCF-style: chrX-31525435-T-C.
Other names: c.8329A>G, p.Lys2777Glu (NM_000109.4); c.8341A>G, p.Lys2781Glu (NM_004009.3); c.7984A>G, p.Lys2662Glu (NM_004010.3); c.4330A>G, p.Lys1444Glu (NM_004011.4); c.4321A>G, p.Lys1441Glu (NM_004012.4); c.973A>G, p.Lys325Glu (NM_004013.3, NM_004020.4, NM_004021.3 and 2 more transcripts); c.166A>G, p.Lys56Glu (NM_004014.3); short protein forms K2781E, K1444E, K1441E, K56E, K2662E, K2777E, K2785E, K325E.
Identifiers: ClinVar variation 961440 (VCV000961440.10), dbSNP rs2071048687, ClinGen allele CA412656149.